The following is an entry in ClinVar:

ClinVar aggregate classification (germline): Uncertain significance (1 of 4 stars; one submission).

Conditions:
Hereditary cancer-predisposing syndrome. Also called: Neoplastic Syndromes, Hereditary; Tumor predisposition; Hereditary Cancer Syndrome; Hereditary neoplastic syndrome. Identifiers: Orphanet 140162, MedGen C0027672, MeSH D009386, MONDO:0015356.

Submission:

Ambry Genetics
Classification: Uncertain significance for Hereditary cancer-predisposing syndrome. Last evaluated: 2022-04-19. Review status: criteria provided, single submitter. Criteria: Ambry Variant Classification Scheme 2023. Collection method: clinical testing. Allele origin: germline.
Comment: The p.L72R variant (also known as c.215T>G), located in coding exon 1 of the ALK gene, results from a T to G substitution at nucleotide position 215. The leucine at codon 72 is replaced by arginine, an amino acid with dissimilar properties. This amino acid position is conserved. In addition, this alteration is predicted to be deleterious by in silico analysis. Since supporting evidence is limited at this time, the clinical significance of this alteration remains unclear.

NM_004304.5(ALK):c.215T>G (p.Leu72Arg)

Gene: ALK (ALK receptor tyrosine kinase; minus strand). Cytogenetic location: 2p23.1.
Variant type: single nucleotide variant.
Coding change: c.215T>G on transcript NM_004304.5 (MANE Select); coding-DNA position 215, T replaced by G.
Protein change: p.Leu72Arg; replaces leucine 72 with arginine.
Molecular consequence: missense variant.
Genome position (GRCh38, 1-based): chr2:29,920,445, A>C on the plus strand (T>G on the coding strand, the complement: ALK is on the minus strand). VCF-style: chr2-29920445-A-C. GRCh37 (hg19) VCF-style: chr2-30143311-A-C.
Other names: short protein forms L72R.
Identifiers: ClinVar variation 1786891 (VCV001786891.3), dbSNP rs2465867179, ClinGen allele CA346590467.